The following is an entry in ClinVar:

NM_001164508.2(NEB):c.611del (p.Lys204fs)

Gene: NEB (nebulin; minus strand). Cytogenetic location: 2q23.3.
Variant type: Deletion.
Coding change: c.611del on transcript NM_001164508.2 (MANE Select); coding-DNA position 611, one base deleted (A; older notation c.611delA).
Protein change: p.Lys204fs; shifts the reading frame from lysine 204.
Molecular consequence: frameshift variant.
Genome position (GRCh38, 1-based): chr2:151,724,261, T deleted on the plus strand (A on the coding strand, the reverse complement: NEB is on the minus strand); the first of 2 consecutive T bases (chr2:151,724,261-151,724,262); deleting either gives the same sequence. VCF-style (leftmost placement, unchanged base first): chr2-151724260-CT-C. GRCh37 (hg19) VCF-style: chr2-152580774-CT-C.
Other names: c.611del, p.Lys204fs (NM_001164507.2, NM_001271208.2, NM_004543.5); short protein forms K204fs.
Identifiers: ClinVar variation 1070706 (VCV001070706.7), dbSNP rs2150729369, ClinGen allele CA2499215131.

ClinVar aggregate classification (germline): Pathogenic (1 of 4 stars; one submission).

Conditions:
Nemaline myopathy 2 (NEM2). Also called: Nemaline myopathy 2, autosomal recessive. Identifiers: MedGen C1850569, MONDO:0009725, OMIM 256030.

Submission:

Labcorp Genetics (formerly Invitae), Labcorp
Classification: Pathogenic for Nemaline myopathy 2. Last evaluated: 2020-10-23. Review status: criteria provided, single submitter. Criteria: Invitae Variant Classification Sherloc (09022015). Collection method: clinical testing. Allele origin: germline.
Comment: This sequence change creates a premature translational stop signal (p.Lys204Argfs*24) in the NEB gene. It is expected to result in an absent or disrupted protein product. Loss-of-function variants in NEB are known to be pathogenic (PMID: 25205138). This variant is not present in population databases (ExAC no frequency). This variant has not been reported in the literature in individuals with NEB-related conditions. For these reasons, this variant has been classified as Pathogenic.

Literature cited by the submitters: PubMed 25205138.